The following is an entry in ClinVar:

ClinVar aggregate classification (germline): Uncertain significance (1 of 4 stars; one submission).

Conditions:
Cardiomyopathy (CMYO). Also called: Cardiomyopathies. Identifiers: Orphanet 167848, MedGen C0878544, MONDO:0004994, HP:0001638. Inheritance: Various modes of inheritance.

Submission:

Color Diagnostics, LLC DBA Color Health
Classification: Uncertain significance for Cardiomyopathy. Last evaluated: 2025-07-20. Review status: criteria provided, single submitter. Criteria: ACMG Guidelines, 2015. Collection method: clinical testing. Allele origin: germline.
Comment: This missense variant replaces glutamic acid with valine at codon 272 of the DSC2 protein. Computational prediction is inconclusive regarding the impact of this variant on protein structure and function. To our knowledge, functional studies have not been reported for this variant. This variant has not been reported in individuals affected with DSC2-related disorders in the literature. This variant has not been identified in the general population by the Genome Aggregation Database (gnomAD). The available evidence is insufficient to determine the role of this variant in disease conclusively. Therefore, this variant is classified as a Variant of Uncertain Significance.

NM_024422.6(DSC2):c.815A>T (p.Glu272Val)

Gene: DSC2 (desmocollin 2; minus strand). Cytogenetic location: 18q12.1.
Variant type: single nucleotide variant.
Coding change: c.815A>T on transcript NM_024422.6 (MANE Select); coding-DNA position 815, A replaced by T.
Protein change: p.Glu272Val; replaces glutamic acid 272 with valine.
Molecular consequence: missense variant.
Genome position (GRCh38, 1-based): chr18:31,086,703, T>A on the plus strand (A>T on the coding strand, the complement: DSC2 is on the minus strand). VCF-style: chr18-31086703-T-A. GRCh37 (hg19) VCF-style: chr18-28666666-T-A.
Other names: c.386A>T, p.Glu129Val (NM_001406506.1, NM_001406507.1); c.815A>T, p.Glu272Val (NM_004949.5); short protein forms E129V, E272V.
Identifiers: ClinVar variation 4759015 (VCV004759015.1).
Genomic context (GRCh38, chr18:31,086,703, plus strand): 5'-GGTGATGGTGGCACCTGCCCAATGATGGAGTACTTCAGGCGTGTGTGCATCGTGTCAGGC[T>A]CATCTTTGTCAGTAGCACACACTTGTCCCACAGTAGTGCCTAGAGAAGAAAAGTCCTTTT-3'
Protein context (NP_077740.1, residues 262-282): VGQVCATDKD[Glu272Val]PDTMHTRLKY